The following is an entry in ClinVar:

NM_005012.4(ROR1):c.34C>T (p.Pro12Ser)

Gene: ROR1 (receptor tyrosine kinase like orphan receptor 1; plus strand). Cytogenetic location: 1p31.3.
Variant type: single nucleotide variant.
Coding change: c.34C>T on transcript NM_005012.4 (MANE Select); coding-DNA position 34, C replaced by T.
Protein change: p.Pro12Ser; replaces proline 12 with serine.
Molecular consequence: missense variant.
Genome position (GRCh38, 1-based): chr1:63,774,451, C>T. VCF-style: chr1-63774451-C-T. GRCh37 (hg19) VCF-style: chr1-64240122-C-T.
Other names: c.34C>T, p.Pro12Ser (NM_001083592.2); short protein forms P12S.
Identifiers: ClinVar variation 2061856 (VCV002061856.4), dbSNP rs1173539126, ClinGen allele CA340711537.
Genomic context (GRCh38, chr1:63,774,451, plus strand): 5'-GCCGCCGCCGCCTCAGCGAGAGGAGGAATGCACCGGCCGCGCCGCCGCGGGACGCGCCCG[C>T]CGCTCCTGGCGCTGCTGGCCGCGCTGCTGCTGGCCGCACGCGGGGCTGCTGCCCAAGGTA-3'
Protein context (NP_005003.2, residues 2-22): HRPRRRGTRP[Pro12Ser]LLALLAALLL

ClinVar aggregate classification (germline): Uncertain significance (1 of 4 stars; one submission).

Submission:

Labcorp Genetics (formerly Invitae), Labcorp
Classification: Uncertain significance. Last evaluated: 2022-09-07. Review status: criteria provided, single submitter. Criteria: Invitae Variant Classification Sherloc (09022015). Collection method: clinical testing. Allele origin: germline.
Comment: This sequence change replaces proline, which is neutral and non-polar, with serine, which is neutral and polar, at codon 12 of the ROR1 protein (p.Pro12Ser). In summary, the available evidence is currently insufficient to determine the role of this variant in disease. Therefore, it has been classified as a Variant of Uncertain Significance. Algorithms developed to predict the effect of missense changes on protein structure and function are either unavailable or do not agree on the potential impact of this missense change (SIFT: "Deleterious"; PolyPhen-2: "Not Available"; Align-GVGD: "Class C0"). This variant has not been reported in the literature in individuals affected with ROR1-related conditions. This variant is present in population databases (no rsID available, gnomAD 0.007%).